The following is an entry in ClinVar:

NM_001006658.3(CR2):c.2165A>T (p.Gln722Leu)

Gene: CR2 (complement C3d receptor 2; plus strand). Cytogenetic location: 1q32.2.
Variant type: single nucleotide variant.
Coding change: c.2165A>T on transcript NM_001006658.3 (MANE Select); coding-DNA position 2165, A replaced by T.
Protein change: p.Gln722Leu; replaces glutamine 722 with leucine.
Molecular consequence: missense variant.
Genome position (GRCh38, 1-based): chr1:207,473,810, A>T. VCF-style: chr1-207473810-A-T. GRCh37 (hg19) VCF-style: chr1-207647155-A-T.
Other names: c.1988A>T, p.Gln663Leu (NM_001877.5); short protein forms Q663L, Q722L.
Identifiers: ClinVar variation 2416758 (VCV002416758.6), dbSNP rs995653202, ClinGen allele CA36652461.
Genomic context (GRCh38, chr1:207,473,810, plus strand): 5'-CTTTGATATGAGACATCTATAAATACTGTAATTCCATCCTTGCTTCTCCAGAAACATGCC[A>T]GCATGTGAGACAGAGTCTTCAAGAACTTCCAGCTGGTTCACGTGTGGAGCTAGTTAATAC-3'
Protein context (NP_001006659.1, residues 712-732): PSAPRCEETC[Gln722Leu]HVRQSLQELP

ClinVar aggregate classification (germline): Uncertain significance (1 of 4 stars; one submission).

Conditions:
Immunodeficiency, common variable, 7. Identifiers: Orphanet 1572, Orphanet 696894, MedGen C3542922, MONDO:0013862, OMIM 614699.

Allele frequency attached by ClinVar (database versions not stated): TOPMed 0.00001; gnomAD 0.00002; gnomAD exomes 0.00001.
gnomAD v4.1: 11 of 1,613,890 alleles (0.00068%); highest among the groups gnomAD compares: Middle Eastern, 0.016%; no homozygotes.

Submission:

Labcorp Genetics (formerly Invitae), Labcorp
Classification: Uncertain significance for Immunodeficiency, common variable, 7. Last evaluated: 2022-05-19. Review status: criteria provided, single submitter. Criteria: Invitae Variant Classification Sherloc (09022015). Collection method: clinical testing. Allele origin: germline.
Comment: This sequence change replaces glutamine, which is neutral and polar, with leucine, which is neutral and non-polar, at codon 722 of the CR2 protein (p.Gln722Leu). This variant is present in population databases (no rsID available, gnomAD 0.007%). This variant has not been reported in the literature in individuals affected with CR2-related conditions. Algorithms developed to predict the effect of missense changes on protein structure and function are either unavailable or do not agree on the potential impact of this missense change (SIFT: "Tolerated"; PolyPhen-2: "Possibly Damaging"; Align-GVGD: "Class C0"). In summary, the available evidence is currently insufficient to determine the role of this variant in disease. Therefore, it has been classified as a Variant of Uncertain Significance.